The following is an entry in ClinVar:

NM_001048174.2(MUTYH):c.1264A>G (p.Lys422Glu)

Gene: MUTYH (mutY DNA glycosylase; minus strand). Cytogenetic location: 1p34.1.
Variant type: single nucleotide variant.
Coding change: c.1264A>G on transcript NM_001048174.2 (MANE Select); coding-DNA position 1264, A replaced by G.
Protein change: p.Lys422Glu; replaces lysine 422 with glutamic acid.
Molecular consequence: missense variant. On other transcripts: non-coding transcript variant (2).
Genome position (GRCh38, 1-based): chr1:45,331,310, T>C on the plus strand (A>G on the coding strand, the complement: MUTYH is on the minus strand). VCF-style: chr1-45331310-T-C. GRCh37 (hg19) VCF-style: chr1-45796982-T-C.
Other names: c.1264A>G, p.Lys422Glu (NM_001048171.2, NM_001048173.2, NM_001293195.2); c.1267A>G, p.Lys423Glu (NM_001048172.2); c.1348A>G, p.Lys450Glu (NM_001128425.2); c.1309A>G, p.Lys437Glu (NM_001293190.2); c.1297A>G, p.Lys433Glu (NM_001293191.2); c.988A>G, p.Lys330Glu (NM_001293192.2, NM_001293196.2); c.919A>G, p.Lys307Glu (NM_001350650.2, NM_001350651.2); c.1339A>G, p.Lys447Glu (NM_012222.3); short protein forms K307E, K330E, K422E, K423E, K433E, K437E, K447E, K450E.
Identifiers: ClinVar variation 1058119 (VCV001058119.12), dbSNP rs1644794654, ClinGen allele CA340132760.

ClinVar aggregate classification (germline): Uncertain significance. Review status: criteria provided, multiple submitters, no conflicts (2 of 4 stars). 4 submissions from 4 submitters: Uncertain significance (4). Last evaluated 2023-06-08.

Conditions:
Familial adenomatous polyposis 2. Also called: Adenomas, multiple colorectal; MUTYH Polyposis; COLORECTAL ADENOMATOUS POLYPOSIS, AUTOSOMAL RECESSIVE; ADENOMAS, MULTIPLE COLORECTAL, AUTOSOMAL RECESSIVE; FAP type 2; MUTYH-associated polyposis. Identifiers: Orphanet 220460, Orphanet 247798, MedGen C3272841, MONDO:0012041, OMIM 608456.
Hereditary cancer-predisposing syndrome. Also called: Neoplastic Syndromes, Hereditary; Hereditary Cancer Syndrome; Hereditary neoplastic syndrome; Tumor predisposition. Identifiers: Orphanet 140162, MedGen C0027672, MeSH D009386, MONDO:0015356.

Submissions (4):

All of Us Research Program, National Institutes of Health
Classification: Uncertain significance for Familial adenomatous polyposis 2. Last evaluated: 2023-06-08. Review status: criteria provided, single submitter. Criteria: ACMG Guidelines, 2015. Collection method: clinical testing. Allele origin: germline. Inheritance: Autosomal recessive inheritance. Observed: 2 variant alleles, 2 heterozygotes.
Comment: This missense variant replaces lysine with glutamic acid at codon 450 of the MUTYH protein. Computational prediction is inconclusive regarding the impact of this variant on protein structure and function (internally defined REVEL score threshold 0.5 < inconclusive < 0.7, PMID: 27666373). To our knowledge, functional studies have not been reported for this variant. This variant has not been reported in individuals affected with hereditary cancer in the literature. This variant has not been identified in the general population by the Genome Aggregation Database (gnomAD). The available evidence is insufficient to determine the role of this variant in disease conclusively. Therefore, this variant is classified as a Variant of Uncertain Significance.

This study involves interpretation of variants in research participants for the purpose of population health screening. Participant phenotype was not available at the time of variant classification. Additional details can be found in publication PMID: 35346344, PMCID: PMC8962531

Ambry Genetics
Classification: Uncertain significance for Hereditary cancer-predisposing syndrome. Last evaluated: 2022-03-27. Review status: criteria provided, single submitter. Criteria: Ambry Variant Classification Scheme 2023. Collection method: clinical testing. Allele origin: germline.
Comment: The p.K450E variant (also known as c.1348A>G), located in coding exon 14 of the MUTYH gene, results from an A to G substitution at nucleotide position 1348. The lysine at codon 450 is replaced by glutamic acid, an amino acid with similar properties. This amino acid position is conserved. In addition, the in silico prediction for this alteration is inconclusive. Since supporting evidence is limited at this time, the clinical significance of this alteration remains unclear.

Labcorp Genetics (formerly Invitae), Labcorp
Classification: Uncertain significance for Familial adenomatous polyposis 2. Last evaluated: 2021-09-20. Review status: criteria provided, single submitter. Criteria: Invitae Variant Classification Sherloc (09022015). Collection method: clinical testing. Allele origin: germline.
Comment: Algorithms developed to predict the effect of missense changes on protein structure and function (SIFT, PolyPhen-2, Align-GVGD) all suggest that this variant is likely to be tolerated. This variant has not been reported in the literature in individuals affected with MUTYH-related conditions. In summary, the available evidence is currently insufficient to determine the role of this variant in disease. Therefore, it has been classified as a Variant of Uncertain Significance. This variant is not present in population databases (ExAC no frequency). This sequence change replaces lysine with glutamic acid at codon 450 of the MUTYH protein (p.Lys450Glu). The lysine residue is moderately conserved and there is a small physicochemical difference between lysine and glutamic acid.

Revvity Omics, Revvity
Classification: Uncertain significance for Familial adenomatous polyposis 2. Last evaluated: 2020-01-07. Review status: criteria provided, single submitter. Criteria: ACMG Guidelines, 2015. Collection method: clinical testing. Allele origin: germline.